The following is an entry in ClinVar:

NM_004260.4(RECQL4):c.2518del (p.Leu840fs)

Gene: RECQL4 (RecQ like helicase 4; minus strand). Cytogenetic location: 8q24.3.
Variant type: Deletion.
Coding change: c.2518del on transcript NM_004260.4 (MANE Select); coding-DNA position 2518, one base deleted (C; older notation c.2518delC).
Protein change: p.Leu840fs; shifts the reading frame from leucine 840.
Molecular consequence: frameshift variant.
Genome position (GRCh38, 1-based): chr8:144,513,084, G deleted on the plus strand (C on the coding strand, the reverse complement: RECQL4 is on the minus strand); the first of 2 consecutive G bases (chr8:144,513,084-144,513,085); deleting either gives the same sequence. VCF-style (leftmost placement, unchanged base first): chr8-144513083-AG-A. GRCh37 (hg19) VCF-style: chr8-145738466-AG-A.
Other names: short protein forms L840fs.
Identifiers: ClinVar variation 1435770 (VCV001435770.7), dbSNP rs2130673117, ClinGen allele CA2573143070.

ClinVar aggregate classification (germline): Pathogenic. Review status: criteria provided, multiple submitters, no conflicts (2 of 4 stars). 2 submissions from 2 submitters: Pathogenic (2). Last evaluated 2024-08-14.

Conditions:
Baller-Gerold syndrome (BGS). Also called: CRANIOSYNOSTOSIS WITH RADIAL DEFECTS. Identifiers: Orphanet 1225, MedGen C0265308, MONDO:0009039, OMIM 218600.

Submissions (2):

Labcorp Genetics (formerly Invitae), Labcorp
Classification: Pathogenic for Baller-Gerold syndrome. Last evaluated: 2024-08-14. Review status: criteria provided, single submitter. Criteria: Invitae Variant Classification Sherloc (09022015). Collection method: clinical testing. Allele origin: germline.
Comment: This sequence change creates a premature translational stop signal (p.Leu840Trpfs*3) in the RECQL4 gene. It is expected to result in an absent or disrupted protein product. Loss-of-function variants in RECQL4 are known to be pathogenic (PMID: 12734318, 12952869). This variant is not present in population databases (gnomAD no frequency). This variant has not been reported in the literature in individuals affected with RECQL4-related conditions. ClinVar contains an entry for this variant (Variation ID: 1435770). For these reasons, this variant has been classified as Pathogenic.

Mendelics
Classification: Pathogenic for Baller-Gerold syndrome. Last evaluated: 2022-05-04. Review status: criteria provided, single submitter. Criteria: Mendelics Assertion Criteria 2019. Collection method: clinical testing. Allele origin: germline.

Literature cited by the submitters: PubMed 12734318 (cited by Labcorp Genetics (formerly Invitae), Labcorp); PubMed 12952869 (cited by Labcorp Genetics (formerly Invitae), Labcorp).